The following is an entry in ClinVar:

ClinVar aggregate classification (germline): Pathogenic (1 of 4 stars; one submission).

Conditions:
Autosomal recessive nonsyndromic hearing loss 77. Identifiers: Orphanet 90636, MedGen C2746083, MONDO:0013119, OMIM 613079.

Submission:

Myriad Genetics, Inc.
Classification: Pathogenic for Autosomal recessive nonsyndromic hearing loss 77. Last evaluated: 2023-09-27. Review status: criteria provided, single submitter. Criteria: Myriad Autosomal Dominant, Autosomal Recessive and X-Linked Classification Criteria (2023). Collection method: clinical testing. Allele origin: unknown.
Comment: NM_144612.6(LOXHD1):c.5899dupG(E1967Gfs*27) is expected to be pathogenic in the context of nonsyndromic hearing loss, LOXHD1-related. This variant is predicted to lead to an abnormal or absent protein product due to the creation of a premature termination codon in LOXHD1, a gene where loss-of-function variants are known to be pathogenic. Please note: this variant was assessed in the context of healthy population screening.

NM_001384474.1(LOXHD1):c.6085dup (p.Glu2029fs)

Gene: LOXHD1 (lipoxygenase homology PLAT domains 1; minus strand). Cytogenetic location: 18q21.1.
Variant type: Duplication.
Coding change: c.6085dup on transcript NM_001384474.1 (MANE Select); coding-DNA position 6085, one base duplicated (G; older notation c.6085dupG).
Protein change: p.Glu2029fs; shifts the reading frame from glutamic acid 2029.
Molecular consequence: frameshift variant.
Genome position (GRCh38, 1-based): chr18:46,485,116, C duplicated on the plus strand (G on the coding strand, the reverse complement: LOXHD1 is on the minus strand). VCF-style (leftmost placement, unchanged base first): chr18-46485115-T-TC. GRCh37 (hg19) VCF-style: chr18-44065078-T-TC.
Other names: c.2752dup, p.Glu918fs (NM_001145472.3); c.802dup, p.Glu268fs (NM_001145473.3, NM_001173129.2); c.2464dup, p.Glu822fs (NM_001308013.2); c.5899dup, p.Glu1967fs (NM_144612.7); short protein forms E1967fs, E2029fs, E268fs, E822fs, E918fs.
Identifiers: ClinVar variation 5012255 (VCV005012255.1).